The following is an entry in ClinVar:

NM_001004334.4(GPR179):c.1082A>T (p.Glu361Val)

Gene: GPR179 (G protein-coupled receptor 179; minus strand). Cytogenetic location: 17q12.
Variant type: single nucleotide variant.
Coding change: c.1082A>T on transcript NM_001004334.4 (MANE Select); coding-DNA position 1082, A replaced by T.
Protein change: p.Glu361Val; replaces glutamic acid 361 with valine.
Molecular consequence: missense variant.
Genome position (GRCh38, 1-based): chr17:38,337,123, T>A on the plus strand (A>T on the coding strand, the complement: GPR179 is on the minus strand). VCF-style: chr17-38337123-T-A. GRCh37 (hg19) VCF-style: chr17-36493006-T-A.
Other names: short protein forms E361V.
Identifiers: ClinVar variation 2009535 (VCV002009535.4), dbSNP rs2512170269, ClinGen allele CA398887819.

ClinVar aggregate classification (germline): Uncertain significance (1 of 4 stars; one submission).

Submission:

Labcorp Genetics (formerly Invitae), Labcorp
Classification: Uncertain significance. Last evaluated: 2022-06-23. Review status: criteria provided, single submitter. Criteria: Invitae Variant Classification Sherloc (09022015). Collection method: clinical testing. Allele origin: germline.
Comment: In summary, the available evidence is currently insufficient to determine the role of this variant in disease. Therefore, it has been classified as a Variant of Uncertain Significance. Algorithms developed to predict the effect of missense changes on protein structure and function are either unavailable or do not agree on the potential impact of this missense change (SIFT: "Deleterious"; PolyPhen-2: "Possibly Damaging"; Align-GVGD: "Class C0"). This variant has not been reported in the literature in individuals affected with GPR179-related conditions. This variant is not present in population databases (gnomAD no frequency). This sequence change replaces glutamic acid, which is acidic and polar, with valine, which is neutral and non-polar, at codon 361 of the GPR179 protein (p.Glu361Val).